The following is an entry in ClinVar:

ClinVar aggregate classification (germline): Likely pathogenic (1 of 4 stars; one submission).

Conditions:
Childhood-onset schizophrenia. Also called: Childhood schizophrenia. Identifiers: Orphanet 641496, MedGen C0036346, MONDO:0957430.

Allele frequency attached by ClinVar (database versions not stated): gnomAD 0.00001; gnomAD exomes 0.00001 and 0.00002; ExAC 0.00002; TOPMed 0.00002.
gnomAD v4.1: 22 of 1,535,132 alleles (0.0014%); highest among the groups gnomAD compares: East Asian, 0.023%; no homozygotes.

Submission:

Dr. Guy Rouleau's laboratory, McGill University
Classification: Likely pathogenic for Childhood Onset Schizophrenia. Last evaluated: 2014-01-01. Review status: criteria provided, single submitter. Criteria: Submitter's publication. Collection method: research. Allele origin: de novo. Affected: yes. Observed: 1 variant allele.
Comment: COS with PDD NOS, Asperger's Disorder, Separation Anxiety Disorder

Identified by next generation sequencing and validated by Sanger sequencing

NM_015009.3(PDZRN3):c.820G>A (p.Asp274Asn)

Gene: PDZRN3 (PDZ domain containing ring finger 3; minus strand). Cytogenetic location: 3p13.
Variant type: single nucleotide variant.
Coding change: c.820G>A on transcript NM_015009.3 (MANE Select); coding-DNA position 820, G replaced by A.
Protein change: p.Asp274Asn; replaces aspartic acid 274 with asparagine.
Molecular consequence: missense variant.
Genome position (GRCh38, 1-based): chr3:73,602,452, C>T on the plus strand (G>A on the coding strand, the complement: PDZRN3 is on the minus strand). VCF-style: chr3-73602452-C-T. GRCh37 (hg19) VCF-style: chr3-73651603-C-T.
Other names: short protein forms D274N.
Identifiers: ClinVar variation 208395 (VCV000208395.3), dbSNP rs748809996, ClinGen allele CA210453.